The following is an entry in ClinVar:

ClinVar aggregate classification (germline): Conflicting classifications of pathogenicity. Review status: criteria provided, conflicting classifications (1 of 4 stars). 2 submissions from 2 submitters: Likely pathogenic (1); Uncertain significance (1). Last evaluated 2023-11-20.

Conditions:
Joubert syndrome. Also called: Familial aplasia of the vermis; JOUBERT-BOLTSHAUSER SYNDROME. Identifiers: Orphanet 475, MedGen C5979921, MONDO:0018772.
Meckel-Gruber syndrome. Also called: Dysencephalia splachnocystica; DYSENCEPHALIA SPLANCHNOCYSTICA; GRUBER SYNDROME. Identifiers: Orphanet 564, MedGen C0265215, MONDO:0018921.

gnomAD v4.1: 10 of 1,612,496 alleles (0.00062%); highest among the groups gnomAD compares: South Asian, 0.0011%; 1 homozygote.

Submissions (2):

Labcorp Genetics (formerly Invitae), Labcorp
Classification: Likely pathogenic for Joubert syndrome; Meckel-Gruber syndrome. Last evaluated: 2023-11-20. Review status: criteria provided, single submitter. Criteria: Invitae Variant Classification Sherloc (09022015). Collection method: clinical testing. Allele origin: germline.
Comment: This sequence change replaces arginine, which is basic and polar, with leucine, which is neutral and non-polar, at codon 925 of the CC2D2A protein (p.Arg925Leu). This variant is present in population databases (rs200707391, gnomAD 0.002%). This variant has not been reported in the literature in individuals affected with CC2D2A-related conditions. ClinVar contains an entry for this variant (Variation ID: 1979504). Advanced modeling of protein sequence and biophysical properties (such as structural, functional, and spatial information, amino acid conservation, physicochemical variation, residue mobility, and thermodynamic stability) has been performed at Invitae for this missense variant, however the output from this modeling did not meet the statistical confidence thresholds required to predict the impact of this variant on CC2D2A protein function. This variant disrupts the p.Arg925 amino acid residue in CC2D2A. Other variant(s) that disrupt this residue have been determined to be pathogenic (PMID: 30267408). This suggests that this residue is clinically significant, and that variants that disrupt this residue are likely to be disease-causing. In summary, the currently available evidence indicates that the variant is pathogenic, but additional data are needed to prove that conclusively. Therefore, this variant has been classified as Likely Pathogenic.

Blueprint Genetics
Classification: Uncertain significance. Last evaluated: 2023-10-20. Review status: criteria provided, single submitter. Criteria: ACMG Guidelines, 2015. Collection method: clinical testing. Allele origin: germline.

Literature cited by the submitters: PubMed 30267408 (cited by Labcorp Genetics (formerly Invitae), Labcorp).

NM_001378615.1(CC2D2A):c.2774G>T (p.Arg925Leu)

Genes: CC2D2A (coiled-coil and C2 domain containing 2A; plus strand), FBXL5 (F-box and leucine rich repeat protein 5; minus strand). Cytogenetic location: 4p15.32.
Variant type: single nucleotide variant.
Coding change: c.2774G>T on transcript NM_001378615.1 (MANE Select); coding-DNA position 2774, G replaced by T.
Protein change: p.Arg925Leu; replaces arginine 925 with leucine.
Molecular consequence: missense variant.
Genome position (GRCh38, 1-based): chr4:15,557,452, G>T. VCF-style: chr4-15557452-G-T. GRCh37 (hg19) VCF-style: chr4-15559075-G-T.
Other names: c.2774G>T, p.Arg925Leu (NM_001080522.2); c.2627G>T, p.Arg876Leu (NM_001378617.1); short protein forms R925L, R876L.
Identifiers: ClinVar variation 1979504 (VCV001979504.5), dbSNP rs200707391, ClinGen allele CA2864002.